The following is an entry in ClinVar:

ClinVar aggregate classification (germline): Pathogenic (1 of 4 stars; one submission).

Submission:

Labcorp Genetics (formerly Invitae), Labcorp
Classification: Pathogenic. Last evaluated: 2023-09-12. Review status: criteria provided, single submitter. Criteria: Invitae Variant Classification Sherloc (09022015). Collection method: clinical testing. Allele origin: germline.
Comment: For these reasons, this variant has been classified as Pathogenic. This variant has not been reported in the literature in individuals affected with SLC39A4-related conditions. This variant is present in population databases (rs782434053, gnomAD 0.001%). This sequence change creates a premature translational stop signal (p.Cys62Glyfs*77) in the SLC39A4 gene. It is expected to result in an absent or disrupted protein product. Loss-of-function variants in SLC39A4 are known to be pathogenic (PMID: 12955721).

Literature cited by the submitters: PubMed 12955721.

NM_130849.4(SLC39A4):c.179_183dup (p.Cys62fs)

Gene: SLC39A4 (solute carrier family 39 member 4; minus strand). Cytogenetic location: 8q24.3.
Variant type: Duplication.
Coding change: c.179_183dup on transcript NM_130849.4 (MANE Select); coding-DNA positions 179 to 183, 5 bases duplicated (GGCCG; older notation c.179_183dupGGCCG).
Protein change: p.Cys62fs; shifts the reading frame from cysteine 62.
Molecular consequence: frameshift variant.
Genome position (GRCh38, 1-based): chr8:144,416,607-144,416,611, CGGCC duplicated on the plus strand (GGCCG on the coding strand, the reverse complement: SLC39A4 is on the minus strand); duplicating any 5 consecutive bases within chr8:144,416,607-144,416,613 gives the same sequence; the c. name uses the placement nearest the transcript's 3' end. VCF-style (leftmost placement, unchanged base first): chr8-144416606-A-ACGGCC. GRCh37 (hg19) VCF-style: chr8-145641990-A-ACGGCC.
Other names: c.179_183dup, p.Cys62fs (NM_001374839.1); short protein forms C62fs.
Identifiers: ClinVar variation 2988365 (VCV002988365.3), dbSNP rs782434053, ClinGen allele CA4941834.